The following is an entry in ClinVar:

ClinVar aggregate classification (germline): Uncertain significance (1 of 4 stars; one submission).

Allele frequency attached by ClinVar (database versions not stated): ExAC 0.00001; gnomAD 0.00001.
gnomAD v4.1: 13 of 1,614,096 alleles (0.00081%); highest among the groups gnomAD compares: Admixed American, 0.0017%; no homozygotes.

Submission:

Labcorp Genetics (formerly Invitae), Labcorp
Classification: Uncertain significance. Last evaluated: 2022-08-30. Review status: criteria provided, single submitter. Criteria: Invitae Variant Classification Sherloc (09022015). Collection method: clinical testing. Allele origin: germline.
Comment: In summary, the available evidence is currently insufficient to determine the role of this variant in disease. Therefore, it has been classified as a Variant of Uncertain Significance. Algorithms developed to predict the effect of missense changes on protein structure and function are either unavailable or do not agree on the potential impact of this missense change (SIFT: "Deleterious"; PolyPhen-2: "Probably Damaging"; Align-GVGD: "Class C0"). This variant has not been reported in the literature in individuals affected with LETM1-related conditions. This variant is present in population databases (rs764194986, gnomAD 0.004%). This sequence change replaces arginine, which is basic and polar, with threonine, which is neutral and polar, at codon 611 of the LETM1 protein (p.Arg611Thr).

NM_012318.3(LETM1):c.1832G>C (p.Arg611Thr)

Gene: LETM1 (leucine zipper and EF-hand containing transmembrane protein 1; minus strand). Cytogenetic location: 4p16.3.
Variant type: single nucleotide variant.
Coding change: c.1832G>C on transcript NM_012318.3 (MANE Select); coding-DNA position 1832, G replaced by C.
Protein change: p.Arg611Thr; replaces arginine 611 with threonine.
Molecular consequence: missense variant.
Genome position (GRCh38, 1-based): chr4:1,816,826, C>G on the plus strand (G>C on the coding strand, the complement: LETM1 is on the minus strand). VCF-style: chr4-1816826-C-G. GRCh37 (hg19) VCF-style: chr4-1818553-C-G.
Other names: short protein forms R611T.
Identifiers: ClinVar variation 1905263 (VCV001905263.5), dbSNP rs764194986, ClinGen allele CA2811152.